The following is an entry in ClinVar:

ClinVar aggregate classification (germline): Uncertain significance. Review status: criteria provided, multiple submitters, no conflicts (2 of 4 stars). 2 submissions from 2 submitters: Uncertain significance (2). Last evaluated 2026-01-05.

Conditions:
Cerebellar dysfunction with variable cognitive and behavioral abnormalities (CECBA). Also called: Nonprogressive cerebellar atxia with intellectual disability. Identifiers: Orphanet 314647, MedGen C3553661, MONDO:0013886, OMIM 614756.

Submissions (2):

Labcorp Genetics (formerly Invitae), Labcorp
Classification: Uncertain significance. Last evaluated: 2026-01-05. Review status: criteria provided, single submitter. Criteria: Invitae Variant Classification Sherloc (09022015). Collection method: clinical testing. Allele origin: germline.
Comment: This sequence change replaces serine, which is neutral and polar, with asparagine, which is neutral and polar, at codon 1504 of the CAMTA1 protein (p.Ser1504Asn). This variant is not present in population databases (gnomAD no frequency). This variant has not been reported in the literature in individuals affected with CAMTA1-related conditions. ClinVar contains an entry for this variant (Variation ID: 2688714). Invitae Evidence Modeling of protein sequence and biophysical properties (such as structural, functional, and spatial information, amino acid conservation, physicochemical variation, residue mobility, and thermodynamic stability) indicates that this missense variant is not expected to disrupt CAMTA1 protein function with a negative predictive value of 80%. In summary, the available evidence is currently insufficient to determine the role of this variant in disease. Therefore, it has been classified as a Variant of Uncertain Significance.

Revvity Omics, Revvity
Classification: Uncertain significance for Cerebellar dysfunction with variable cognitive and behavioral abnormalities. Last evaluated: 2023-06-28. Review status: criteria provided, single submitter. Criteria: ACMG Guidelines, 2015. Collection method: clinical testing. Allele origin: germline.

NM_015215.4(CAMTA1):c.4511G>A (p.Ser1504Asn)

Gene: CAMTA1 (calmodulin binding transcription activator 1; plus strand). Cytogenetic location: 1p36.23.
Variant type: single nucleotide variant.
Coding change: c.4511G>A on transcript NM_015215.4 (MANE Select); coding-DNA position 4511, G replaced by A.
Protein change: p.Ser1504Asn; replaces serine 1504 with asparagine.
Molecular consequence: missense variant.
Genome position (GRCh38, 1-based): chr1:7,745,985, G>A. VCF-style: chr1-7745985-G-A. GRCh37 (hg19) VCF-style: chr1-7806045-G-A.
Other names: c.4421G>A, p.Ser1474Asn (NM_001349608.2); c.4172G>A, p.Ser1391Asn (NM_001349609.2, NM_001349610.2, NM_001410737.1); c.4082G>A, p.Ser1361Asn (NM_001349612.2); c.1640G>A, p.Ser547Asn (NM_001349613.1); c.1583G>A, p.Ser528Asn (NM_001349614.1, NM_001349615.2, NM_001349616.2 and 2 more transcripts); c.1244G>A, p.Ser415Asn (NM_001349619.2, NM_001349620.1, NM_001349621.1 and 5 more transcripts); c.4100G>A, p.Ser1367Asn (NM_001410738.1); short protein forms S1361N, S1367N, S1391N, S1474N, S1504N, S415N, S528N, S547N.
Identifiers: ClinVar variation 2688714 (VCV002688714.3), dbSNP rs2523512037, ClinGen allele CA338141668.
Genomic context (GRCh38, chr1:7,745,985, plus strand): 5'-TCGAGAAACCTAACCTTCCCTCCGCCGCGGATTGGTCAGAATTCCTGAGTGCATCTACCA[G>A]TGAGAAGGTAGAGAATGAGTTTGCTCAGCTCACTCTGTCTGATCATGAACAGAGAGAACT-3'
Protein context (NP_056030.1, residues 1494-1514): DWSEFLSAST[Ser1504Asn]EKVENEFAQL